The following is an entry in ClinVar:

NM_006206.6(PDGFRA):c.3181_3182del (p.Lys1061fs)

Gene: PDGFRA (platelet derived growth factor receptor alpha; plus strand). Cytogenetic location: 4q12.
Variant type: Deletion.
Coding change: c.3181_3182del on transcript NM_006206.6 (MANE Select); coding-DNA positions 3181 to 3182, 2 bases deleted (AA; older notation c.3181_3182delAA).
Protein change: p.Lys1061fs; shifts the reading frame from lysine 1061.
Molecular consequence: frameshift variant.
Genome position (GRCh38, 1-based): chr4:54,295,183-54,295,184, AA deleted. VCF-style (leftmost placement, unchanged base first): chr4-54295182-CAA-C. GRCh37 (hg19) VCF-style: chr4-55161349-CAA-C.
Other names: c.3256_3257del, p.Lys1086fs (NM_001347828.2); c.3181_3182del, p.Lys1061fs (NM_001347829.2); c.3220_3221del, p.Lys1074fs (NM_001347830.2); short protein forms K1074fs, K1061fs, K1086fs.
Identifiers: ClinVar variation 2803340 (VCV002803340.3), dbSNP rs2475578893, ClinGen allele CA2670666081.
Genomic context (GRCh38, chr4:54,295,182, plus strand): 5'-CAGCTCGCAGACCTCTGAAGAGAGTGCCATTGAGACGGGTTCCAGCAGTTCCACCTTCAT[CAA>C]GAGAGAGGACGAGACCATTGAAGACATCGACATGATGGATGACATCGGCATAGACTCTTC-3'

ClinVar aggregate classification (germline): Uncertain significance (1 of 4 stars; one submission).

Conditions:
Gastrointestinal stromal tumor. Also called: Gastrointestinal stromal tumor, somatic; Gastrointestinal stroma tumor. Identifiers: Orphanet 44890, MedGen C0238198, MeSH D046152, MONDO:0011719, OMIM 606764, HP:0100723.

Allele frequency attached by ClinVar (database versions not stated): gnomAD exomes below 0.00001.

Submission:

Labcorp Genetics (formerly Invitae), Labcorp
Classification: Uncertain significance for Gastrointestinal stromal tumor. Last evaluated: 2022-11-23. Review status: criteria provided, single submitter. Criteria: Invitae Variant Classification Sherloc (09022015). Collection method: clinical testing. Allele origin: germline.
Comment: In summary, the available evidence is currently insufficient to determine the role of this variant in disease. Therefore, it has been classified as a Variant of Uncertain Significance. This variant has not been reported in the literature in individuals affected with PDGFRA-related conditions. This variant is not present in population databases (gnomAD no frequency). This sequence change creates a premature translational stop signal (p.Lys1061Glufs*7) in the PDGFRA gene. While this is not anticipated to result in nonsense mediated decay, it is expected to disrupt the last 29 amino acid(s) of the PDGFRA protein.